The following is an entry in ClinVar:

NM_001723.7(DST):c.4613A>G (p.His1538Arg)

Gene: DST (dystonin; minus strand). Cytogenetic location: 6p12.1.
Variant type: single nucleotide variant.
Coding change: c.4613A>G on transcript NM_001723.7 (MANE Plus Clinical); coding-DNA position 4613, A replaced by G.
Protein change: p.His1538Arg; replaces histidine 1538 with arginine.
Molecular consequence: missense variant. On other transcripts: intron variant (10).
Genome position (GRCh38, 1-based): chr6:56,619,421, T>C on the plus strand (A>G on the coding strand, the complement: DST is on the minus strand). VCF-style: chr6-56619421-T-C. GRCh37 (hg19) VCF-style: chr6-56484219-T-C.
Other names: c.4831-4937A>G (NM_001144769.5); c.4930-4937A>G (NM_001374722.1, NM_001374736.1); c.4957-4937A>G (NM_001374734.1); c.4417-4937A>G (NM_001144770.2); c.4297-4937A>G (NM_001374730.1, NM_001386100.1, NM_183380.4 and 1 more transcripts); c.3319-4937A>G (NM_015548.5); short protein forms H1538R.
Identifiers: ClinVar variation 1002591 (VCV001002591.9), dbSNP rs753429995, ClinGen allele CA3870503.

ClinVar aggregate classification (germline): Uncertain significance (1 of 4 stars; one submission).

Conditions:
Epidermolysis bullosa simplex 3, localized or generalized intermediate, with BP230 deficiency (EBS3). Also called: Epidermolysis bullosa simplex, autosomal recessive 2; Epidermolysis bullosa simplex due to BP230 deficiency. Identifiers: Orphanet 412181, MedGen C3809470, MONDO:0014180, OMIM 615425.
Hereditary sensory and autonomic neuropathy type 6. Also called: HSAN VI; Neuropathy, hereditary sensory and autonomic, type VI. Identifiers: Orphanet 314381, MedGen C3539003, MONDO:0013839, OMIM 614653.

Allele frequency attached by ClinVar (database versions not stated): gnomAD exomes below 0.00001; TOPMed below 0.00001; ExAC 0.00001.
gnomAD v4.1: 5 of 1,613,248 alleles (0.00031%); highest among the groups gnomAD compares: South Asian, 0.0033%; no homozygotes.

Submission:

Labcorp Genetics (formerly Invitae), Labcorp
Classification: Uncertain significance for Epidermolysis bullosa simplex 3, localized or generalized intermediate, with BP230 deficiency; Hereditary sensory and autonomic neuropathy type 6. Last evaluated: 2022-08-15. Review status: criteria provided, single submitter. Criteria: Invitae Variant Classification Sherloc (09022015). Collection method: clinical testing. Allele origin: germline.
Comment: This variant is present in population databases (rs753429995, gnomAD 0.003%). This sequence change replaces histidine, which is basic and polar, with arginine, which is basic and polar, at codon 1538 of the DST protein (p.His1538Arg). This variant has not been reported in the literature in individuals affected with DST-related conditions. In summary, the available evidence is currently insufficient to determine the role of this variant in disease. Therefore, it has been classified as a Variant of Uncertain Significance. Algorithms developed to predict the effect of sequence changes on RNA splicing suggest that this variant may create or strengthen a splice site. Algorithms developed to predict the effect of missense changes on protein structure and function are either unavailable or do not agree on the potential impact of this missense change (SIFT: "Deleterious"; PolyPhen-2: "Benign"; Align-GVGD: "Class C0"). ClinVar contains an entry for this variant (Variation ID: 1002591).